The following is an entry in ClinVar:

NM_001148.6(ANK2):c.3894-3T>C

Gene: ANK2 (ankyrin 2; plus strand). Cytogenetic location: 4q26.
Variant type: single nucleotide variant.
Coding change: c.3894-3T>C on transcript NM_001148.6 (MANE Select); 3 bases into the intron before coding-DNA position 3894, T replaced by C.
Molecular consequence: intron variant.
Genome position (GRCh38, 1-based): chr4:113,341,685, T>C. VCF-style: chr4-113341685-T-C. GRCh37 (hg19) VCF-style: chr4-114262841-T-C.
Other names: c.3879-3T>C (NM_001386186.2, NM_001386148.2); c.3681-3T>C (NM_001354269.3); c.3759-3T>C (NM_001386187.2); c.3753-3T>C (NM_001386147.1, NM_001354261.2); c.3738-3T>C (NM_001386160.1); c.3843-3T>C (NM_001354254.2); c.3864-3T>C (NM_001354239.2, NM_001354252.2); c.3765-3T>C (NM_001354272.2); and 31 more.
Identifiers: ClinVar variation 1022018 (VCV001022018.5), dbSNP rs2094323232, ClinGen allele CA2499217056.
Genomic context (GRCh38, chr4:113,341,685, plus strand): 5'-TGATTTTATTTTTCACATGGTATACTTTGAACTTTAGATAACTGACTTTATTTATTTTAA[T>C]AGGTTCTGGCTGATAGATTGTCGACAGATCCAGGAATCCGTTACTTTTGCATCACAAGTA-3'

ClinVar aggregate classification (germline): Uncertain significance (1 of 4 stars; one submission).

Conditions:
Long QT syndrome (LQTS). Identifiers: MedGen C0023976, MeSH D008133, MONDO:0002442. Disease mechanism: loss of function. Inheritance: Various modes of inheritance.

Allele frequency attached by ClinVar (database versions not stated): gnomAD exomes below 0.00001.
gnomAD v4.1: 1 of 1,613,934 alleles (0.000062%); highest among the groups gnomAD compares: Non-Finnish European, 0.000085%; no homozygotes.

Submission:

Labcorp Genetics (formerly Invitae), Labcorp
Classification: Uncertain significance for Long QT syndrome. Last evaluated: 2020-05-05. Review status: criteria provided, single submitter. Criteria: Invitae Variant Classification Sherloc (09022015). Collection method: clinical testing. Allele origin: germline.
Comment: This sequence change falls in intron 32 of the ANK2 gene. It does not directly change the encoded amino acid sequence of the ANK2 protein, but it affects a nucleotide within the consensus splice site of the intron. This variant is not present in population databases (ExAC no frequency). This variant has not been reported in the literature in individuals with ANK2-related conditions. Nucleotide substitutions within the consensus splice site are a relatively common cause of aberrant splicing (PMID: 17576681, 9536098). Algorithms developed to predict the effect of sequence changes on RNA splicing suggest that this variant is not likely to affect RNA splicing, but this prediction has not been confirmed by published transcriptional studies. In summary, the available evidence is currently insufficient to determine the role of this variant in disease. Therefore, it has been classified as a Variant of Uncertain Significance.

Literature cited by the submitters: PubMed 17576681; PubMed 9536098.